The following is an entry in ClinVar:

ClinVar aggregate classification (germline): Conflicting classifications of pathogenicity. Review status: criteria provided, conflicting classifications (1 of 4 stars). 3 submissions from 3 submitters: Uncertain significance (1); Likely benign (1). 1 of the submissions does not count toward it. Last evaluated 2026-01-15.

Conditions:
HEXB-related disorder. Also called: HEXB-related condition.
Sandhoff disease. Also called: Beta-hexosaminidase-beta-subunit deficiency; GM2 gangliosidosis, type 2; Total hexosaminidase deficiency; Sandhoff-Jatzkewitz-Pilz disease; GM2-GANGLIOSIDOSIS, TYPE II; HEXOSAMINIDASES A AND B DEFICIENCY. Identifiers: Orphanet 796, MedGen C0036161, MONDO:0010006, OMIM 268800.

Allele frequency attached by ClinVar (database versions not stated): TOPMed 0.00003; ExAC 0.00004; gnomAD exomes 0.00004; gnomAD 0.00005 and 0.00006.
gnomAD v4.1: 64 of 1,614,088 alleles (0.004%); highest among the groups gnomAD compares: Non-Finnish European, 0.0052%; no homozygotes.

Submissions (3):

Labcorp Genetics (formerly Invitae), Labcorp
Classification: Likely benign for Sandhoff disease. Last evaluated: 2026-01-15. Review status: criteria provided, single submitter. Criteria: Invitae Variant Classification Sherloc (09022015). Collection method: clinical testing. Allele origin: germline.

Illumina Laboratory Services, Illumina
Classification: Uncertain significance for Sandhoff disease. Last evaluated: 2017-04-27. Review status: criteria provided, single submitter. Criteria: ICSL Variant Classification Criteria 13 December 2019. Collection method: clinical testing. Allele origin: germline.

PreventionGenetics, part of Exact Sciences
Classification: Likely benign for HEXB-related condition. Last evaluated: 2019-04-09. Review status: no assertion criteria provided. Collection method: clinical testing. Allele origin: germline. Not counted in ClinVar's aggregate classification.
Comment: This variant is classified as likely benign based on ACMG/AMP sequence variant interpretation guidelines (Richards et al. 2015 PMID: 25741868, with internal and published modifications).

NM_000521.4(HEXB):c.1269A>G (p.Val423=)

Gene: HEXB (hexosaminidase subunit beta; plus strand). Cytogenetic location: 5q13.3.
Variant type: single nucleotide variant.
Coding change: c.1269A>G on transcript NM_000521.4 (MANE Select); coding-DNA position 1269, A replaced by G.
Protein change: p.Val423=; no amino-acid change (valine 423 retained).
Molecular consequence: synonymous variant.
Genome position (GRCh38, 1-based): chr5:74,718,823, A>G. VCF-style: chr5-74718823-A-G. GRCh37 (hg19) VCF-style: chr5-74014648-A-G.
Other names: c.594A>G, p.Val198= (NM_001292004.2).
Identifiers: ClinVar variation 789283 (VCV000789283.17), dbSNP rs746407358, ClinGen allele CA3306095.
Genomic context (GRCh38, chr5:74,718,823, plus strand): 5'-TAATAATATGTATTGCAATTTGTAACGTTAATAGCTTGCGCCGGGCACAATAGTTGAAGT[A>G]TGGAAAGACAGCGCATATCCTGAGGAACTCAGTAGAGTCACAGCATCTGGCTTCCCTGTA-3'
Protein context (NP_000512.2, residues 413-433): AKLAPGTIVE[Val423=]WKDSAYPEEL